The following is an entry in ClinVar:

NM_004629.2(FANCG):c.233T>C (p.Ile78Thr)

Gene: FANCG (FA complementation group G; minus strand). Cytogenetic location: 9p13.3.
Variant type: single nucleotide variant.
Coding change: c.233T>C on transcript NM_004629.2 (MANE Select); coding-DNA position 233, T replaced by C.
Protein change: p.Ile78Thr; replaces isoleucine 78 with threonine.
Molecular consequence: missense variant.
Genome position (GRCh38, 1-based): chr9:35,078,679, A>G on the plus strand (T>C on the coding strand, the complement: FANCG is on the minus strand). VCF-style: chr9-35078679-A-G. GRCh37 (hg19) VCF-style: chr9-35078676-A-G.
Other names: short protein forms I78T.
Identifiers: ClinVar variation 3597297 (VCV003597297.2).

ClinVar aggregate classification (germline): Uncertain significance. Review status: criteria provided, multiple submitters, no conflicts (2 of 4 stars). 2 submissions from 2 submitters: Uncertain significance (2). Last evaluated 2025-03-20.

Conditions:
Inborn genetic diseases. Identifiers: MedGen C0950123, MeSH D030342.
Fanconi anemia complementation group G. Also called: FANCG-Related Fanconi Anemia; Fanconi anemia group G. Identifiers: Orphanet 84, MedGen C3469527, MONDO:0013565, OMIM 614082.

Submissions (2):

Ambry Genetics
Classification: Uncertain significance for Inborn genetic diseases. Last evaluated: 2025-03-20. Review status: criteria provided, single submitter. Criteria: Ambry Variant Classification Scheme 2023. Collection method: clinical testing. Allele origin: germline.
Comment: The p.I78T variant (also known as c.233T>C), located in coding exon 3 of the FANCG gene, results from a T to C substitution at nucleotide position 233. The isoleucine at codon 78 is replaced by threonine, an amino acid with similar properties. This amino acid position is conserved. In addition, the in silico prediction for this alteration is inconclusive. Based on the available evidence, the clinical significance of this variant remains unclear.

Fulgent Genetics
Classification: Uncertain significance for Fanconi anemia complementation group G. Last evaluated: 2024-05-30. Review status: criteria provided, single submitter. Criteria: ACMG Guidelines, 2015. Collection method: clinical testing. Allele origin: germline.